The following is an entry in ClinVar:

ClinVar aggregate classification (germline): Benign/Likely benign. Review status: criteria provided, multiple submitters, no conflicts (2 of 4 stars). 2 submissions from 2 submitters: Benign (1); Likely benign (1). Last evaluated 2025-12-22.

Conditions:
Fibrous dysplasia of jaw (CRBM). Also called: Cherubism. Identifiers: Orphanet 184, MedGen C0008029, MONDO:0007315, OMIM 118400.
SH3BP2-related disorder. Also called: SH3BP2-related condition.

Allele frequency attached by ClinVar (database versions not stated): gnomAD 0.00003; gnomAD exomes 0.00003 and 0.00015; TOPMed 0.00005; ExAC 0.00011.
gnomAD v4.1: 48 of 1,613,434 alleles (0.003%); highest among the groups gnomAD compares: Admixed American, 0.057%; no homozygotes.

Submissions (2):

PreventionGenetics, part of Exact Sciences
Classification: Likely benign for SH3BP2-related condition. Last evaluated: 2025-12-22. Review status: criteria provided, single submitter. Criteria: ACMG Guidelines, 2015. Collection method: clinical testing. Allele origin: germline.
Comment: This variant is classified as likely benign based on ACMG/AMP sequence variant interpretation guidelines (Richards et al. 2015 PMID: 25741868, with internal and published modifications).

Labcorp Genetics (formerly Invitae), Labcorp
Classification: Benign for Fibrous dysplasia of jaw. Last evaluated: 2025-06-23. Review status: criteria provided, single submitter. Criteria: Invitae Variant Classification Sherloc (09022015). Collection method: clinical testing. Allele origin: germline.

NM_001122681.2(SH3BP2):c.606G>A (p.Pro202=)

Gene: SH3BP2 (SH3 domain binding protein 2; plus strand). Cytogenetic location: 4p16.3.
Variant type: single nucleotide variant.
Coding change: c.606G>A on transcript NM_001122681.2 (MANE Select); coding-DNA position 606, G replaced by A.
Protein change: p.Pro202=; no amino-acid change (proline 202 retained).
Molecular consequence: synonymous variant.
Genome position (GRCh38, 1-based): chr4:2,829,512, G>A. VCF-style: chr4-2829512-G-A. GRCh37 (hg19) VCF-style: chr4-2831239-G-A.
Other names: c.690G>A, p.Pro230= (NM_001145855.2); c.777G>A, p.Pro259= (NM_001145856.2); c.606G>A, p.Pro202= (NM_003023.4).
Identifiers: ClinVar variation 1167113 (VCV001167113.8), dbSNP rs775926639, ClinGen allele CA2819277.
Genomic context (GRCh38, chr4:2,829,512, plus strand): 5'-AGTCTCTGTCAGGGTCCAACCCGGGTCTCTTTGCTCTGCAGATGCCCTGATGCACCCACC[G>A]GCTTACCCACCACCCCCAGTGCCCACGCCCAGGAAGCCAGCCTTCTCTGACATGCCCCGG-3'
Protein context (NP_001116153.1, residues 192-212): GRLEDALMHP[Pro202=]AYPPPPVPTP